The following is an entry in ClinVar:

ClinVar aggregate classification (germline): Benign/Likely benign. Review status: criteria provided, multiple submitters, no conflicts (2 of 4 stars). 5 submissions from 5 submitters: Benign (2); Likely benign (3). Last evaluated 2026-05-07.

Conditions:
EPHB4-related disorder. Also called: EPHB4-related disorders; EPHB4-related condition.
Cardiovascular phenotype. Identifiers: MedGen CN230736.

Allele frequency attached by ClinVar (database versions not stated): TOPMed 0.00034; gnomAD 0.00036; ExAC 0.00037; gnomAD exomes 0.00043 and 0.00049; ESP Exome Variant Server 0.00054.
gnomAD v4.1: 692 of 1,613,906 alleles (0.043%); highest among the groups gnomAD compares: Non-Finnish European, 0.041%; 3 homozygotes.

Submissions (5):

PreventionGenetics, part of Exact Sciences
Classification: Likely benign for EPHB4-related condition. Last evaluated: 2026-05-07. Review status: criteria provided, single submitter. Criteria: ACMG Guidelines, 2015. Collection method: clinical testing. Allele origin: germline.
Comment: This variant is classified as likely benign based on ACMG/AMP sequence variant interpretation guidelines (Richards et al. 2015 PMID: 25741868, with internal and published modifications).

CeGaT Center for Human Genetics Tuebingen
Classification: Likely benign. Last evaluated: 2026-05-01. Review status: criteria provided, single submitter. Criteria: CeGaT Center For Human Genetics Tuebingen Variant Classification Criteria Version 2. Collection method: clinical testing. Allele origin: germline. Affected: yes. Observed: 1 variant allele.
Comment: EPHB4: BS1

Labcorp Genetics (formerly Invitae), Labcorp
Classification: Benign. Last evaluated: 2025-08-17. Review status: criteria provided, single submitter. Criteria: Invitae Variant Classification Sherloc (09022015). Collection method: clinical testing. Allele origin: germline.

Ambry Genetics
Classification: Benign for Cardiovascular phenotype. Last evaluated: 2025-07-07. Review status: criteria provided, single submitter. Criteria: Ambry Variant Classification Scheme 2023. Collection method: clinical testing. Allele origin: germline.

ARUP Laboratories, Molecular Genetics and Genomics, ARUP Laboratories
Classification: Likely benign. Last evaluated: 2019-07-01. Review status: criteria provided, single submitter. Criteria: ARUP Molecular Germline Variant Investigation Process. Collection method: clinical testing. Allele origin: germline.

NM_004444.5(EPHB4):c.1384G>A (p.Gly462Arg)

Gene: EPHB4 (EPH receptor B4; minus strand). Cytogenetic location: 7q22.1.
Variant type: single nucleotide variant.
Coding change: c.1384G>A on transcript NM_004444.5 (MANE Select); coding-DNA position 1384, G replaced by A.
Protein change: p.Gly462Arg; replaces glycine 462 with arginine.
Molecular consequence: missense variant.
Genome position (GRCh38, 1-based): chr7:100,818,558, C>T on the plus strand (G>A on the coding strand, the complement: EPHB4 is on the minus strand). VCF-style: chr7-100818558-C-T. GRCh37 (hg19) VCF-style: chr7-100416180-C-T.
Other names: short protein forms G462R.
Identifiers: ClinVar variation 811623 (VCV000811623.17), dbSNP rs146674844, ClinGen allele CA4393007.